The following is an entry in ClinVar:

NM_001367479.1(DNAH14):c.10746T>A (p.Ile3582=)

Gene: DNAH14 (dynein axonemal heavy chain 14; plus strand). Cytogenetic location: 1q42.12.
Variant type: single nucleotide variant.
Coding change: c.10746T>A on transcript NM_001367479.1 (MANE Select); coding-DNA position 10746, T replaced by A.
Protein change: p.Ile3582=; no amino-acid change (isoleucine 3582 retained).
Molecular consequence: synonymous variant.
Genome position (GRCh38, 1-based): chr1:225,346,029, T>A. VCF-style: chr1-225346029-T-A. GRCh37 (hg19) VCF-style: chr1-225533731-T-A.
Other names: NM_001373.1:c.10467T>A.
Identifiers: ClinVar variation 402658 (VCV000402658.7), dbSNP rs12742757, ClinGen allele CA1416668.
Genomic context (GRCh38, chr1:225,346,029, plus strand): 5'-ATTAGATGATGACAAAATTGTAGATACCTTAAGAAAATCCAAAATGACATCAAACGAAAT[T>A]TCAAAGCGCATCGAAGCAACAAAAAAAGCTGAAAGTGAAATCCAAGCAATACGTAAAAAC-3'
Protein context (NP_001354408.1, residues 3572-3592): LRKSKMTSNE[Ile3582=]SKRIEATKKA

ClinVar aggregate classification (germline): Benign. Review status: criteria provided, multiple submitters, no conflicts (2 of 4 stars). 3 submissions from 3 submitters: Benign (3). Last evaluated 2022-02-11.

Allele frequency attached by ClinVar (database versions not stated): gnomAD exomes 0.08442 and 0.11994; ExAC 0.08885; ESP Exome Variant Server 0.09177; gnomAD 0.11302 and 0.11405; TOPMed 0.11793; 1000 Genomes Project 30x 0.15225; 1000 Genomes Project 0.15236.
gnomAD v4.1: 135,903 of 1,551,380 alleles (8.8%); highest among the groups gnomAD compares: East Asian, 27%; 7,724 homozygotes.

Submissions (3):

GeneDx
Classification: Benign. Last evaluated: 2022-02-11. Review status: criteria provided, single submitter. Criteria: GeneDx Variant Classification Process June 2021. Collection method: clinical testing. Allele origin: germline. Affected: yes.

Laboratory for Molecular Medicine, Mass General Brigham Personalized Medicine
Classification: Benign. Last evaluated: 2016-03-28. Review status: criteria provided, single submitter. Criteria: LMM Criteria. Collection method: clinical testing. Allele origin: germline.
Comment: Variant identified in a genome or exome case(s) and assessed due to predicted null impact of the variant or pathogenic assertions in the literature or databases. Disclaimer: This variant has not undergone full assessment. The following are preliminary notes: Frequency

Breakthrough Genomics
Classification: Benign. Review status: criteria provided, single submitter. Criteria: ACMG Guidelines, 2015. Collection method: not provided. Allele origin: germline. Inheritance: Unknown mechanism. Affected: yes.